The following is an entry in ClinVar:

ClinVar aggregate classification (germline): Conflicting classifications of pathogenicity. Review status: criteria provided, conflicting classifications (1 of 4 stars). 7 submissions from 7 submitters: Uncertain significance (3); Likely benign (4). Last evaluated 2026-04-27.

Conditions:
TTN-related disorder. Also called: TTN-related disorders; TTN-related condition; TTN-related disease.
Autosomal recessive limb-girdle muscular dystrophy type 2J (LGMDR10). Also called: Limb-girdle muscular dystrophy, type 2J; MUSCULAR DYSTROPHY, LIMB-GIRDLE, AUTOSOMAL RECESSIVE 10. Identifiers: Orphanet 140922, MedGen C1837342, MONDO:0012127, OMIM 608807.
Dilated cardiomyopathy 1G (CMD1G). Identifiers: Orphanet 154, MedGen C1858763, MONDO:0011400, OMIM 604145.
Cardiovascular phenotype. Identifiers: MedGen CN230736.

Allele frequency attached by ClinVar (database versions not stated): gnomAD exomes 0.00002 and 0.00006; ExAC 0.00008; TOPMed 0.00017; gnomAD 0.00019 and 0.00021; 1000 Genomes Project 30x 0.00031; 1000 Genomes Project 0.00040; ESP Exome Variant Server 0.00057.
gnomAD v4.1: 59 of 1,612,732 alleles (0.0037%); highest among the groups gnomAD compares: African/African-American, 0.076%; no homozygotes.

Submissions (7):

PreventionGenetics, part of Exact Sciences
Classification: Uncertain significance for TTN-related condition. Last evaluated: 2026-04-27. Review status: criteria provided, single submitter. Criteria: ACMG Guidelines, 2015. Collection method: clinical testing. Allele origin: germline.
Comment: The TTN c.50850C>A variant is predicted to result in the amino acid substitution p.Asp16950Glu. To our knowledge, this variant has not been reported in the literature. This variant is reported in 0.074% of alleles in individuals of African descent in gnomAD. Although we suspect that this variant may be benign, at this time, the clinical significance of this variant is uncertain due to the absence of conclusive functional and genetic evidence.

Women's Health and Genetics/Laboratory Corporation of America, LabCorp
Classification: Likely benign. Last evaluated: 2026-01-05. Review status: criteria provided, single submitter. Criteria: LabCorp Variant Classification Summary - May 2015. Collection method: clinical testing. Allele origin: germline.
Comment: Variant summary: TTN c.43146C>A (p.Asp14382Glu) results in a conservative amino acid change in the encoded protein sequence. Algorithms developed to predict the effect of missense changes on protein structure and function are either unavailable or do not agree on the potential impact of this missense change. The variant allele was found at a frequency of 5.7e-05 in 247650 control chromosomes, predominantly at a frequency of 0.00091 within the African or African-American subpopulation in the gnomAD database. The observed variant frequency within African or African-American control individuals in the gnomAD database exceeds the estimated maximal expected allele frequency for disease-causing variants in TTN. To our knowledge, no occurrence of c.43146C>A in individuals affected with TTN-related conditions and no experimental evidence demonstrating its impact on protein function have been reported. ClinVar contains an entry for this variant (Variation ID: 404896). Based on the evidence outlined above, the variant was classified as likely benign.

Mayo Clinic Laboratories, Mayo Clinic
Classification: Likely benign. Last evaluated: 2025-08-20. Review status: criteria provided, single submitter. Criteria: ACMG Guidelines, 2015. Collection method: clinical testing. Allele origin: germline. Observed: 1 variant allele.
Comment: BS1, BP4_moderate

Revvity Omics, Revvity
Classification: Likely benign. Last evaluated: 2023-03-29. Review status: criteria provided, single submitter. Criteria: ACMG Guidelines, 2015. Collection method: clinical testing. Allele origin: germline.

Ambry Genetics
Classification: Uncertain significance for Cardiovascular phenotype. Last evaluated: 2018-12-19. Review status: criteria provided, single submitter. Criteria: Ambry Variant Classification Scheme 2023. Collection method: clinical testing. Allele origin: germline.
Comment: The p.D7885E variant (also known as c.23655C>A), located in coding exon 96 of the TTN gene, results from a C to A substitution at nucleotide position 23655. The aspartic acid at codon 7885 is replaced by glutamic acid, an amino acid with highly similar properties. This amino acid position is well conserved in available vertebrate species; however, glutamic acid is the reference amino acid in other vertebrate species. In addition, this alteration is predicted to be tolerated by in silico analysis. Since supporting evidence is limited at this time, the clinical significance of this alteration remains unclear.

GeneDx
Classification: Likely benign. Last evaluated: 2018-08-15. Review status: criteria provided, single submitter. Criteria: GeneDx Variant Classification Process June 2021. Collection method: clinical testing. Allele origin: germline. Affected: yes.

Labcorp Genetics (formerly Invitae), Labcorp
Classification: Uncertain significance for Dilated cardiomyopathy 1G; Autosomal recessive limb-girdle muscular dystrophy type 2J. Last evaluated: 2016-04-04. Review status: criteria provided, single submitter. Criteria: Invitae Variant Classification Sherloc (09022015). Collection method: clinical testing. Allele origin: germline.

NM_001267550.2(TTN):c.50850C>A (p.Asp16950Glu)

Genes: TTN (titin; minus strand), TTN-AS1 (TTN antisense RNA 1; plus strand). Cytogenetic location: 2q31.2.
Variant type: single nucleotide variant.
Coding change: c.50850C>A on transcript NM_001267550.2 (MANE Select); coding-DNA position 50850, C replaced by A.
Protein change: p.Asp16950Glu; replaces aspartic acid 16950 with glutamic acid.
Molecular consequence: missense variant.
Genome position (GRCh38, 1-based): chr2:178,611,379, G>T on the plus strand (C>A on the coding strand, the complement: TTN is on the minus strand). VCF-style: chr2-178611379-G-T. GRCh37 (hg19) VCF-style: chr2-179476106-G-T.
Other names: p.Asp15309Glu; c.45927C>A, p.Asp15309Glu (NM_001256850.1); c.23655C>A, p.Asp7885Glu (NM_003319.4); c.43146C>A, p.Asp14382Glu (NM_133378.4); c.24030C>A, p.Asp8010Glu (NM_133432.3); c.24231C>A, p.Asp8077Glu (NM_133437.4); short protein forms D16950E, D14382E, D8010E, D8077E, D7885E, D15309E.
Identifiers: ClinVar variation 404896 (VCV000404896.14), dbSNP rs200700386, ClinGen allele CA1994303.
Genomic context (GRCh38, chr2:178,611,379, plus strand): 5'-CAATGCATGAATAAAGGGTATTTTATTAACTATAAAAGACCTTGTGCTCTTACAGTCTGG[G>T]TCTTTGGCAACCACATTTTCAGAGATTTCAGATGGCTCGCTGACACCAATAGCATTGACT-3'
Protein context (NP_001254479.2, residues 16940-16960): SEISENVVAK[Asp16950Glu]PDCKPTIDLE